The following is an entry in ClinVar:

ClinVar aggregate classification (germline): Likely pathogenic (1 of 4 stars; one submission).

Conditions:
Renal cysts and diabetes syndrome (RCAD). Also called: Familial hypoplastic, glomerulocystic kidney; MATURITY-ONSET DIABETES OF THE YOUNG, TYPE 5. Identifiers: Orphanet 93111, MedGen C0431693, MONDO:0007669, OMIM 137920.

Submission:

Institute of Human Genetics, FAU Erlangen, Friedrich-Alexander-Universität Erlangen-Nürnberg
Classification: Likely pathogenic for Renal cysts and diabetes syndrome. Last evaluated: 2019-07-06. Review status: criteria provided, single submitter. Criteria: ACMG Guidelines, 2015. Collection method: literature only. Allele origin: germline. Affected: yes.
Comment: This variant and it's classification has been reported by Vasileiou et al. 2019; DOI:10.1101/576918. The variants has previously been reported in PMID:20633866 as "C273S/N Cys273Ser" with clinical significance Pathogenic. It has been re-classified using InterVar and manual curation as Likely pathogenic based on PM1 PM2 PP1 PP3 PP5.

Literature cited by the submitters: PubMed 20633866; DOI 10.1101/576918.

NM_000458.4(HNF1B):c.818G>C (p.Cys273Ser)

Gene: HNF1B (HNF1 homeobox B; minus strand). Cytogenetic location: 17q12.
Variant type: single nucleotide variant.
Coding change: c.818G>C on transcript NM_000458.4 (MANE Select); coding-DNA position 818, G replaced by C.
Protein change: p.Cys273Ser; replaces cysteine 273 with serine.
Molecular consequence: missense variant.
Genome position (GRCh38, 1-based): chr17:37,731,822, C>G on the plus strand (G>C on the coding strand, the complement: HNF1B is on the minus strand). VCF-style: chr17-37731822-C-G. GRCh37 (hg19) VCF-style: chr17-36091813-C-G.
Other names: c.740G>C, p.Cys247Ser (NM_001165923.4, NM_001304286.2); short protein forms C273S, C247S.
Identifiers: ClinVar variation 635643 (VCV000635643.1), dbSNP rs2511802356, ClinGen allele CA398747109.